The following is an entry in ClinVar:

NM_000275.3(OCA2):c.646T>C (p.Ser216Pro)

Gene: OCA2 (OCA2 melanosomal transmembrane protein; minus strand). Cytogenetic location: 15q13.1.
Variant type: single nucleotide variant.
Coding change: c.646T>C on transcript NM_000275.3 (MANE Select); coding-DNA position 646, T replaced by C.
Protein change: p.Ser216Pro; replaces serine 216 with proline.
Molecular consequence: missense variant.
Genome position (GRCh38, 1-based): chr15:28,022,501, A>G on the plus strand (T>C on the coding strand, the complement: OCA2 is on the minus strand). VCF-style: chr15-28022501-A-G. GRCh37 (hg19) VCF-style: chr15-28267647-A-G.
Other names: c.646T>C, p.Ser216Pro (NM_001300984.2); short protein forms S216P.
Identifiers: ClinVar variation 3902138 (VCV003902138.1).

ClinVar aggregate classification (germline): Likely pathogenic (1 of 4 stars; one submission).

Conditions:
Oculocutaneous albinism. Identifiers: Orphanet 55, MedGen C0078918, MONDO:0018910.

gnomAD v4.1: 1 of 1,611,210 alleles (0.000062%); highest among the groups gnomAD compares: Non-Finnish European, 0.000085%; no homozygotes.

Submission:

Women's Health and Genetics/Laboratory Corporation of America, LabCorp
Classification: Likely pathogenic for Oculocutaneous albinism. Last evaluated: 2025-05-19. Review status: criteria provided, single submitter. Criteria: LabCorp Variant Classification Summary - May 2015. Collection method: clinical testing. Allele origin: germline.
Comment: Variant summary: OCA2 c.646T>C (p.Ser216Pro) results in a non-conservative amino acid change in the encoded protein sequence. Algorithms developed to predict the effect of missense changes on protein structure and function all suggest that this variant is likely to be disruptive. Consensus agreement among computation tools predict no significant impact on normal splicing. The variant was absent in 251156 control chromosomes. c.646T>C has been observed in individual(s) affected with Oculocutaneous Albinism (examples: Lasseaux_2018,Mauri_2017). These data indicate that the variant is likely to be associated with disease. To our knowledge, no experimental evidence demonstrating an impact on protein function has been reported. No submitters have cited clinical-significance assessments for this variant to ClinVar. The following publications have been ascertained in the context of this evaluation (PMID: 29345414, 27734839). Based on the evidence outlined above, the variant was classified as likely pathogenic.

Literature cited by the submitters: PubMed 29345414; PubMed 27734839.